The following is an entry in ClinVar:

NM_001164508.2(NEB):c.24520G>A (p.Ala8174Thr)

Genes: NEB (nebulin; minus strand), RIF1 (replication timing regulatory factor 1; plus strand). Cytogenetic location: 2q23.3.
Variant type: single nucleotide variant.
Coding change: c.24520G>A on transcript NM_001164508.2 (MANE Select); coding-DNA position 24520, G replaced by A.
Protein change: p.Ala8174Thr; replaces alanine 8174 with threonine.
Molecular consequence: missense variant.
Genome position (GRCh38, 1-based): chr2:151,494,220, C>T on the plus strand (G>A on the coding strand, the complement: NEB is on the minus strand). VCF-style: chr2-151494220-C-T. GRCh37 (hg19) VCF-style: chr2-152350734-C-T.
Other names: c.24520G>A, p.Ala8174Thr (NM_001164507.2); c.24625G>A, p.Ala8209Thr (NM_001271208.2); c.18952G>A, p.Ala6318Thr (NM_004543.5); short protein forms A8209T, A6318T, A8174T.
Identifiers: ClinVar variation 284307 (VCV000284307.27), dbSNP rs199937246, ClinGen allele CA1906009.

ClinVar aggregate classification (germline): Conflicting classifications of pathogenicity. Review status: criteria provided, conflicting classifications (1 of 4 stars). 8 submissions from 8 submitters: Uncertain significance (4); Benign (1); Likely benign (1). 2 of the submissions do not count toward it. Last evaluated 2026-05-19.

Conditions:
Nemaline myopathy 2 (NEM2). Also called: Nemaline myopathy 2, autosomal recessive. Identifiers: MedGen C1850569, MONDO:0009725, OMIM 256030.
Inborn genetic diseases. Identifiers: MedGen C0950123, MeSH D030342.
NEB-related disorder. Also called: NEB-Related Disorders; NEB-related condition.

Allele frequency attached by ClinVar (database versions not stated): 1000 Genomes Project 30x 0.00016; gnomAD 0.00019 and 0.00018; ExAC 0.00049; ESP Exome Variant Server 0.00017; 1000 Genomes Project 0.00020; TOPMed 0.00024; gnomAD exomes 0.00028.
gnomAD v4.1: 280 of 1,605,450 alleles (0.017%); highest among the groups gnomAD compares: Middle Eastern, 0.18%; no homozygotes.

Submissions (8):

Ambry Genetics
Classification: Uncertain significance for Inborn genetic diseases. Last evaluated: 2026-05-19. Review status: criteria provided, single submitter. Criteria: Ambry Variant Classification Scheme 2023. Collection method: clinical testing. Allele origin: germline.
Comment: The c.18952G>A (p.A6318T) alteration is located in exon 142 (coding exon 140) of the NEB gene. This alteration results from a G to A substitution at nucleotide position 18952, causing the alanine (A) at amino acid position 6318 to be replaced by a threonine (T). Based on data from gnomAD, the A allele has an overall frequency of 0.025% (66/266622) total alleles studied. The highest observed frequency was 0.231% (23/9978) of Ashkenazi Jewish alleles. Based on insufficient or conflicting evidence, the clinical significance of this alteration remains unclear.

Women's Health and Genetics/Laboratory Corporation of America, LabCorp
Classification: Uncertain significance. Last evaluated: 2026-01-27. Review status: criteria provided, single submitter. Criteria: LabCorp Variant Classification Summary - May 2015. Collection method: clinical testing. Allele origin: germline.
Comment: Variant summary: NEB c.24625G>A (p.Ala8209Thr) results in a non-conservative amino acid change in the encoded protein sequence. Algorithms developed to predict the effect of missense changes on protein structure and function are either unavailable or do not agree on the potential impact of this missense change. The variant allele was found at a frequency of 0.00028 in 235246 control chromosomes. This frequency is not significantly higher than estimated for disease-causing variants in NEB, allowing no conclusion about variant significance. To our knowledge, no occurrence of c.24625G>A in individuals affected with NEB-related conditions and no experimental evidence demonstrating its impact on protein function have been reported. ClinVar contains an entry for this variant (Variation ID: 284307). Based on the evidence outlined above, the variant was classified as uncertain significance.

Labcorp Genetics (formerly Invitae), Labcorp
Classification: Benign for Nemaline myopathy 2. Last evaluated: 2026-01-16. Review status: criteria provided, single submitter. Criteria: Invitae Variant Classification Sherloc (09022015). Collection method: clinical testing. Allele origin: germline.

GeneDx
Classification: Likely benign. Last evaluated: 2020-10-15. Review status: criteria provided, single submitter. Criteria: GeneDx Variant Classification Process June 2021. Collection method: clinical testing. Allele origin: germline. Affected: yes.

Illumina Laboratory Services, Illumina
Classification: Uncertain significance for Nemaline myopathy 2. Last evaluated: 2018-01-13. Review status: criteria provided, single submitter. Criteria: ICSL Variant Classification Criteria 13 December 2019. Collection method: clinical testing. Allele origin: germline.

Eurofins Ntd Llc (ga)
Classification: Uncertain significance. Last evaluated: 2015-11-13. Review status: criteria provided, single submitter. Criteria: EGL Classification Definitions 2015. Collection method: clinical testing. Allele origin: germline. Observed: 2 variant alleles, 2 heterozygotes.

PreventionGenetics, part of Exact Sciences
Classification: Likely benign for NEB-related condition. Last evaluated: 2022-05-19. Review status: no assertion criteria provided. Collection method: clinical testing. Allele origin: germline. Not counted in ClinVar's aggregate classification.
Comment: This variant is classified as likely benign based on ACMG/AMP sequence variant interpretation guidelines (Richards et al. 2015 PMID: 25741868, with internal and published modifications).

Natera, Inc.
Classification: Uncertain significance for Nemaline myopathy type 2. Last evaluated: 2020-01-17. Review status: no assertion criteria provided. Collection method: clinical testing. Allele origin: germline. Not counted in ClinVar's aggregate classification.